The following is an entry in ClinVar:

NM_001271938.2(MEGF8):c.947G>A (p.Gly316Asp)

Gene: MEGF8 (multiple EGF like domains 8; plus strand). Cytogenetic location: 19q13.2.
Variant type: single nucleotide variant.
Coding change: c.947G>A on transcript NM_001271938.2 (MANE Select); coding-DNA position 947, G replaced by A.
Protein change: p.Gly316Asp; replaces glycine 316 with aspartic acid.
Molecular consequence: missense variant.
Genome position (GRCh38, 1-based): chr19:42,336,049, G>A. VCF-style: chr19-42336049-G-A. GRCh37 (hg19) VCF-style: chr19-42840201-G-A.
Other names: c.947G>A, p.Gly316Asp (NM_001410.3); short protein forms G316D.
Identifiers: ClinVar variation 3907261 (VCV003907261.1).

ClinVar aggregate classification (germline): Uncertain significance (1 of 4 stars; one submission).

gnomAD v4.1: 2 of 1,580,590 alleles (0.00013%); highest among the groups gnomAD compares: African/African-American, 0.0027%; no homozygotes.

Submission:

Women's Health and Genetics/Laboratory Corporation of America, LabCorp
Classification: Uncertain significance. Last evaluated: 2025-06-10. Review status: criteria provided, single submitter. Criteria: LabCorp Variant Classification Summary - May 2015. Collection method: clinical testing. Allele origin: germline.
Comment: Variant summary: MEGF8 c.947G>A (p.Gly316Asp) results in a non-conservative amino acid change in the encoded protein sequence. Algorithms developed to predict the effect of missense changes on protein structure and function are either unavailable or do not agree on the potential impact of this missense change. The frequency data for this variant in gnomAD is considered unreliable, as metrics indicate poor data quality at this position. To our knowledge, no occurrence of c.947G>A in individuals affected with Carpenter Syndrome - Type 2 and no experimental evidence demonstrating its impact on protein function have been reported. No submitters have cited clinical-significance assessments for this variant to ClinVar. Based on the evidence outlined above, the variant was classified as uncertain significance.